The following is an entry in ClinVar:

NM_004525.3(LRP2):c.3128A>G (p.Tyr1043Cys)

Gene: LRP2 (LDL receptor related protein 2; minus strand). Cytogenetic location: 2q31.1.
Variant type: single nucleotide variant.
Coding change: c.3128A>G on transcript NM_004525.3 (MANE Select); coding-DNA position 3128, A replaced by G.
Protein change: p.Tyr1043Cys; replaces tyrosine 1043 with cysteine.
Molecular consequence: missense variant.
Genome position (GRCh38, 1-based): chr2:169,246,767, T>C on the plus strand (A>G on the coding strand, the complement: LRP2 is on the minus strand). VCF-style: chr2-169246767-T-C. GRCh37 (hg19) VCF-style: chr2-170103277-T-C.
Other names: short protein forms Y1043C.
Identifiers: ClinVar variation 332181 (VCV000332181.47), dbSNP rs201299366, ClinGen allele CA1955123.

ClinVar aggregate classification (germline): Conflicting classifications of pathogenicity. Review status: criteria provided, conflicting classifications (1 of 4 stars). 7 submissions from 7 submitters: Uncertain significance (1); Benign (1); Likely benign (4). 1 of the submissions does not count toward it. Last evaluated 2026-02-04.

Conditions:
LRP2-related disorder. Also called: LRP2-related condition.
Donnai-Barrow syndrome. Also called: DBS/FOAR SYNDROME; FACIOOCULOACOUSTICORENAL SYNDROME. Identifiers: Orphanet 2143, MedGen C1857277, MONDO:0009104, OMIM 222448.

Allele frequency attached by ClinVar (database versions not stated): gnomAD 0.00021 and 0.00043; TOPMed 0.00025; ESP Exome Variant Server 0.00038; gnomAD exomes 0.00069 and 0.00135; 1000 Genomes Project 30x 0.00094; 1000 Genomes Project 0.00120; ExAC 0.00143.
gnomAD v4.1: 1,075 of 1,614,166 alleles (0.067%); highest among the groups gnomAD compares: South Asian, 0.72%; 11 homozygotes.

Submissions (7):

Labcorp Genetics (formerly Invitae), Labcorp
Classification: Benign. Last evaluated: 2026-02-04. Review status: criteria provided, single submitter. Criteria: Invitae Variant Classification Sherloc (09022015). Collection method: clinical testing. Allele origin: germline.

CeGaT Center for Human Genetics Tuebingen
Classification: Likely benign. Last evaluated: 2023-08-01. Review status: criteria provided, single submitter. Criteria: CeGaT Center For Human Genetics Tuebingen Variant Classification Criteria Version 2. Collection method: clinical testing. Allele origin: germline. Affected: yes. Observed: 2 variant alleles.
Comment: LRP2: BS2

Department of Pathology and Laboratory Medicine, Sinai Health System
Classification: Likely benign for Donnai-Barrow syndrome. Last evaluated: 2023-01-27. Review status: criteria provided, single submitter. Criteria: ACMG Guidelines, 2015. Collection method: research. Allele origin: germline.

Genome-Nilou Lab
Classification: Likely benign for Donnai-Barrow syndrome. Last evaluated: 2021-07-15. Review status: criteria provided, single submitter. Criteria: ACMG Guidelines, 2015. Collection method: clinical testing. Allele origin: germline. Affected: no.

Genomic Research Center, Shahid Beheshti University of Medical Sciences
Classification: Uncertain significance for Donnai Barrow syndrome. Last evaluated: 2019-01-01. Review status: criteria provided, single submitter. Criteria: ACMG Guidelines, 2015. Collection method: clinical testing. Allele origin: unknown. Affected: yes.

Illumina Laboratory Services, Illumina
Classification: Likely benign for Donnai-Barrow syndrome. Last evaluated: 2018-01-12. Review status: criteria provided, single submitter. Criteria: ICSL Variant Classification Criteria 13 December 2019. Collection method: clinical testing. Allele origin: germline.
Comment: This variant was observed in the ICSL laboratory as part of a predisposition screen in an ostensibly healthy population. It had not been previously curated by ICSL or reported in the Human Gene Mutation Database (HGMD: prior to June 1st, 2018), and was therefore a candidate for classification through an automated scoring system. Utilizing variant allele frequency, disease prevalence and penetrance estimates, and inheritance mode, an automated score was calculated to assess if this variant is too frequent to cause the disease. Based on the score and internal cut-off values, a variant classified as likely benign is not then subjected to further curation. The score for this variant resulted in a classification of likely benign for this disease.

PreventionGenetics, part of Exact Sciences
Classification: Benign for LRP2-related condition. Last evaluated: 2020-01-27. Review status: no assertion criteria provided. Collection method: clinical testing. Allele origin: germline. Not counted in ClinVar's aggregate classification.
Comment: This variant is classified as benign based on ACMG/AMP sequence variant interpretation guidelines (Richards et al. 2015 PMID: 25741868, with internal and published modifications).